The following is an entry in ClinVar:

NM_020921.4(NIN):c.2728G>A (p.Val910Ile)

Gene: NIN (ninein; minus strand). Cytogenetic location: 14q22.1.
Variant type: single nucleotide variant.
Coding change: c.2728G>A on transcript NM_020921.4 (MANE Select); coding-DNA position 2728, G replaced by A.
Protein change: p.Val910Ile; replaces valine 910 with isoleucine.
Molecular consequence: missense variant. On other transcripts: intron variant (1).
Genome position (GRCh38, 1-based): chr14:50,758,302, C>T on the plus strand (G>A on the coding strand, the complement: NIN is on the minus strand). VCF-style: chr14-50758302-C-T. GRCh37 (hg19) VCF-style: chr14-51225020-C-T.
Other names: c.2728G>A, p.Val910Ile (NM_182944.3, NM_182946.2); c.2399+1555G>A (NM_016350.5); short protein forms V910I.
Identifiers: ClinVar variation 3020869 (VCV003020869.3), dbSNP rs759258409, ClinGen allele CA7181872.
Genomic context (GRCh38, chr14:50,758,302, plus strand): 5'-GCTGGGTTTCAGATACATTTCTTAGGTCTTCCAGGTCTTGGAGTAGCTGCTGTCTCTCGA[C>T]GACCATGCTGTTCAAATGTTCTTTGTATGTTTTCTCCAGCATCTCTCTCTCCTGGGTCAG-3'
Protein context (NP_065972.4, residues 900-920): TYKEHLNSMV[Val910Ile]ERQQLLQDLE

ClinVar aggregate classification (germline): Uncertain significance (1 of 4 stars; one submission).

Allele frequency attached by ClinVar (database versions not stated): ExAC 0.00001; gnomAD 0.00001; gnomAD exomes 0.00001; TOPMed 0.00002.
gnomAD v4.1: 17 of 1,614,116 alleles (0.0011%); highest among the groups gnomAD compares: African/African-American, 0.008%; no homozygotes.

Submission:

Labcorp Genetics (formerly Invitae), Labcorp
Classification: Uncertain significance. Last evaluated: 2023-05-27. Review status: criteria provided, single submitter. Criteria: Invitae Variant Classification Sherloc (09022015). Collection method: clinical testing. Allele origin: germline.
Comment: This variant is present in population databases (rs759258409, gnomAD 0.007%). In summary, the available evidence is currently insufficient to determine the role of this variant in disease. Therefore, it has been classified as a Variant of Uncertain Significance. Algorithms developed to predict the effect of missense changes on protein structure and function output the following: SIFT: "Not Available"; PolyPhen-2: "Benign"; Align-GVGD: "Not Available". The isoleucine amino acid residue is found in multiple mammalian species, which suggests that this missense change does not adversely affect protein function. This variant has not been reported in the literature in individuals affected with NIN-related conditions. This sequence change replaces valine, which is neutral and non-polar, with isoleucine, which is neutral and non-polar, at codon 910 of the NIN protein (p.Val910Ile).